The following is an entry in ClinVar:

ClinVar aggregate classification (germline): Uncertain significance (1 of 4 stars; one submission).

Submission:

CeGaT Center for Human Genetics Tuebingen
Classification: Uncertain significance. Last evaluated: 2023-11-01. Review status: criteria provided, single submitter. Criteria: CeGaT Center For Human Genetics Tuebingen Variant Classification Criteria Version 2. Collection method: clinical testing. Allele origin: germline. Affected: yes. Observed: 1 variant allele.
Comment: KDM8: PM2, BP4

NM_024773.3(KDM8):c.1004G>T (p.Arg335Met)

Gene: KDM8 (lysine demethylase 8 (putative); plus strand). Cytogenetic location: 16p12.1.
Variant type: single nucleotide variant.
Coding change: c.1004G>T on transcript NM_024773.3 (MANE Select); coding-DNA position 1004, G replaced by T.
Protein change: p.Arg335Met; replaces arginine 335 with methionine.
Molecular consequence: missense variant.
Genome position (GRCh38, 1-based): chr16:27,220,403, G>T. VCF-style: chr16-27220403-G-T. GRCh37 (hg19) VCF-style: chr16-27231724-G-T.
Other names: c.1118G>T, p.Arg373Met (NM_001145348.2); short protein forms R335M, R373M.
Identifiers: ClinVar variation 2672625 (VCV002672625.23), dbSNP rs2506556032, ClinGen allele CA395291044.